The following is an entry in ClinVar:

NM_000051.4(ATM):c.1899-8dup

Gene: ATM (ATM serine/threonine kinase; plus strand). Cytogenetic location: 11q22.3.
Variant type: Duplication.
Coding change: c.1899-8dup on transcript NM_000051.4 (MANE Select); 8 bases into the intron before coding-DNA position 1899, one base duplicated (T; older notation c.1899-8dupT).
Molecular consequence: intron variant.
Genome position (GRCh38, 1-based): chr11:108,253,806, T duplicated; the last of 3 consecutive T bases (chr11:108,253,804-108,253,806); duplicating any one gives the same sequence. VCF-style (leftmost placement, unchanged base first): chr11-108253803-C-CT. GRCh37 (hg19) VCF-style: chr11-108124530-C-CT.
Other names: c.1899-8dup (NM_001351834.2).
Identifiers: ClinVar variation 2842049 (VCV002842049.4), dbSNP rs2497307854, ClinGen allele CA2739270939.

ClinVar aggregate classification (germline): Conflicting classifications of pathogenicity. Review status: criteria provided, conflicting classifications (1 of 4 stars). 2 submissions from 2 submitters: Uncertain significance (1); Likely benign (1). Last evaluated 2024-05-02.

Conditions:
Ataxia-telangiectasia syndrome (AT). Also called: Cerebello-oculocutaneous telangiectasia; Immunodeficiency with ataxia telangiectasia; Ataxia-telangiectasia, complementation group E; Ataxia-telangiectasia, complementation group D; LOUIS-BAR SYNDROME; AT, COMPLEMENTATION GROUP C. Identifiers: Orphanet 100, MedGen C0004135, MONDO:0008840, OMIM 208900.
Familial cancer of breast. Also called: BREAST CANCER, FAMILIAL; Hereditary breast cancer; hereditary breast carcinoma. Identifiers: Orphanet 227535, MedGen C0346153, MONDO:0016419, OMIM 114480. Disease mechanism: loss of function.

Submissions (2):

Myriad Genetics, Inc.
Classification: Likely benign for Familial cancer of breast. Last evaluated: 2024-05-02. Review status: criteria provided, single submitter. Criteria: Myriad Autosomal Dominant, Autosomal Recessive and X-Linked Classification Criteria (2023). Collection method: clinical testing. Allele origin: unknown.
Comment: This variant is considered likely benign. This variant is intronic and is not expected to impact mRNA splicing.

Labcorp Genetics (formerly Invitae), Labcorp
Classification: Uncertain significance for Ataxia-telangiectasia syndrome. Last evaluated: 2023-03-02. Review status: criteria provided, single submitter. Criteria: Invitae Variant Classification Sherloc (09022015). Collection method: clinical testing. Allele origin: germline.
Comment: This variant is not present in population databases (gnomAD no frequency). This sequence change falls in intron 12 of the ATM gene. It does not directly change the encoded amino acid sequence of the ATM protein. This variant has not been reported in the literature in individuals affected with ATM-related conditions. Algorithms developed to predict the effect of sequence changes on RNA splicing suggest that this variant may disrupt the consensus splice site. In summary, the available evidence is currently insufficient to determine the role of this variant in disease. Therefore, it has been classified as a Variant of Uncertain Significance.